The following is an entry in ClinVar:

ClinVar aggregate classification (germline): Uncertain significance. Review status: criteria provided, multiple submitters, no conflicts (2 of 4 stars). 2 submissions from 2 submitters: Uncertain significance (2). Last evaluated 2024-10-27.

Conditions:
CHD2-related disorder. Also called: CHD2-related condition.

gnomAD v4.1: 1 of 1,613,128 alleles (0.000062%); highest among the groups gnomAD compares: Non-Finnish European, 0.000085%; no homozygotes.

Submissions (2):

PreventionGenetics, part of Exact Sciences
Classification: Uncertain significance for CHD2-related condition. Last evaluated: 2024-10-27. Review status: criteria provided, single submitter. Criteria: ACMG Guidelines, 2015. Collection method: clinical testing. Allele origin: germline.
Comment: The CHD2 c.2982T>G variant is predicted to result in the amino acid substitution p.Asp994Glu. To our knowledge, this variant has not been reported in the literature or in a large population database (gnomAD), indicating this variant is rare. At this time, the clinical significance of this variant is uncertain due to the absence of conclusive functional and genetic evidence.

GeneDx
Classification: Uncertain significance. Last evaluated: 2021-01-13. Review status: criteria provided, single submitter. Criteria: GeneDx Variant Classification Process June 2021. Collection method: clinical testing. Allele origin: germline. Affected: yes.
Comment: Not observed in large population cohorts (Lek et al., 2016); In silico analysis supports that this missense variant has a deleterious effect on protein structure/function; Has not been previously published as pathogenic or benign to our knowledge

NM_001271.4(CHD2):c.2982T>G (p.Asp994Glu)

Genes: CHD2 (chromodomain helicase DNA binding protein 2; plus strand), LOC126862230 (P300/CBP strongly-dependent group 1 enhancer GRCh37_chr15:93523977-93525176; plus strand). Cytogenetic location: 15q26.1.
Variant type: single nucleotide variant.
Coding change: c.2982T>G on transcript NM_001271.4 (MANE Select); coding-DNA position 2982, T replaced by G.
Protein change: p.Asp994Glu; replaces aspartic acid 994 with glutamic acid.
Molecular consequence: missense variant.
Genome position (GRCh38, 1-based): chr15:92,981,373, T>G. VCF-style: chr15-92981373-T-G. GRCh37 (hg19) VCF-style: chr15-93524603-T-G.
Other names: short protein forms D994E.
Identifiers: ClinVar variation 1196129 (VCV001196129.3), dbSNP rs372974686, ClinGen allele CA393894853.